The following is an entry in ClinVar:

ClinVar aggregate classification (germline): Uncertain significance (1 of 4 stars; one submission).

Conditions:
Hereditary diffuse gastric adenocarcinoma (HDGC). Also called: DIFFUSE GASTRIC AND LOBULAR BREAST CANCER SYNDROME. Identifiers: Orphanet 26106, MedGen C1708349, MONDO:0007648, OMIM 137215.

Submission:

Labcorp Genetics (formerly Invitae), Labcorp
Classification: Uncertain significance for Hereditary diffuse gastric adenocarcinoma. Last evaluated: 2022-10-31. Review status: criteria provided, single submitter. Criteria: Invitae Variant Classification Sherloc (09022015). Collection method: clinical testing. Allele origin: germline.
Comment: This variant, c.1521_1538del, results in the deletion of 6 amino acid(s) of the CDH1 protein (p.Tyr508_Pro513del), but otherwise preserves the integrity of the reading frame. In summary, the available evidence is currently insufficient to determine the role of this variant in disease. Therefore, it has been classified as a Variant of Uncertain Significance. Experimental studies and prediction algorithms are not available or were not evaluated, and the functional significance of this variant is currently unknown. ClinVar contains an entry for this variant (Variation ID: 565993). This variant has not been reported in the literature in individuals affected with CDH1-related conditions. This variant is not present in population databases (gnomAD no frequency).

NM_004360.5(CDH1):c.1521_1538del (p.Tyr508_Pro513del)

Gene: CDH1 (cadherin 1; plus strand). Cytogenetic location: 16q22.1.
Variant type: Deletion.
Coding change: c.1521_1538del on transcript NM_004360.5 (MANE Select); coding-DNA positions 1521 to 1538, 18 bases deleted (CTACACTGCCCAGGAGCC).
Protein change: p.Tyr508_Pro513del.
Molecular consequence: inframe deletion. On other transcripts: 5 prime UTR variant (2).
Genome position (GRCh38, 1-based): chr16:68,815,715-68,815,732, CTACACTGCCCAGGAGCC deleted; deleting any 18 consecutive bases within chr16:68,815,714-68,815,732 gives the same sequence; the c. name uses the placement nearest the transcript's 3' end. VCF-style (leftmost placement, unchanged base first): chr16-68815713-TCCTACACTGCCCAGGAGC-T. GRCh37 (hg19) VCF-style: chr16-68849616-TCCTACACTGCCCAGGAGC-T.
Other names: c.1521_1538del (LRG_301t1); c.1338_1355del, p.Tyr447_Pro452del (NM_001317184.2); c.-28_-11del (NM_001317185.2); c.-299_-282del (NM_001317186.2).
Identifiers: ClinVar variation 565993 (VCV000565993.9), dbSNP rs1567509020, ClinGen allele CA891843865.